The following is an entry in ClinVar:

NM_000625.4(NOS2):c.2757A>G (p.Thr919=)

Gene: NOS2 (nitric oxide synthase 2; minus strand). Cytogenetic location: 17q11.2.
Variant type: single nucleotide variant.
Coding change: c.2757A>G on transcript NM_000625.4 (MANE Select); coding-DNA position 2757, A replaced by G.
Protein change: p.Thr919=; no amino-acid change (threonine 919 retained).
Molecular consequence: synonymous variant.
Genome position (GRCh38, 1-based): chr17:27,762,841, T>C on the plus strand (A>G on the coding strand, the complement: NOS2 is on the minus strand). VCF-style: chr17-27762841-T-C. GRCh37 (hg19) VCF-style: chr17-26089867-T-C.
Identifiers: ClinVar variation 2687955 (VCV002687955.4), dbSNP rs1060826, ClinGen allele CA8454315.

ClinVar aggregate classification (germline): Benign. Review status: criteria provided, single submitter (1 of 4 stars). 2 submissions from 2 submitters: Benign (1). 1 of the submissions does not count toward it. Last evaluated 2024-01-24.

Conditions:
NOS2-related disorder. Also called: NOS2-related condition.

Allele frequency attached by ClinVar (database versions not stated): ESP Exome Variant Server 0.66558; gnomAD 0.67520; TOPMed 0.67694; ExAC 0.72390; 1000 Genomes Project 30x 0.72767; 1000 Genomes Project 0.72983.
gnomAD v4.1: 991,181 of 1,560,140 alleles (64%); highest among the groups gnomAD compares: South Asian, 83%; 318,832 homozygotes.

Submissions (2):

Unidad de Genómica Garrahan, Hospital de Pediatría Garrahan
Classification: Benign. Last evaluated: 2024-01-24. Review status: criteria provided, single submitter. Criteria: ACMG Guidelines, 2015. Collection method: clinical testing. Allele origin: germline. Affected: no. Observed: 83 variant alleles.
Comment: This variant is classified as Benign based on local population frequency. This variant was detected in 87% of patients studied by a panel of primary immunodeficiencies. Number of patients: 83. Only high quality variants are reported.

PreventionGenetics, part of Exact Sciences
Classification: Benign for NOS2-related condition. Last evaluated: 2019-10-17. Review status: no assertion criteria provided. Collection method: clinical testing. Allele origin: germline. Not counted in ClinVar's aggregate classification.
Comment: This variant is classified as benign based on ACMG/AMP sequence variant interpretation guidelines (Richards et al. 2015 PMID: 25741868, with internal and published modifications).